The following is an entry in ClinVar:

ClinVar aggregate classification (germline): Uncertain significance. Review status: reviewed by expert panel (3 of 4 stars). 3 submissions from 2 submitters: Uncertain significance (1). 2 of the submissions do not count toward it. Last evaluated 2025-12-03.

Conditions:
Glaucoma. Identifiers: MedGen C0017601, MONDO:0005041, HP:0000501.
Glaucoma 1, open angle, A (GLC1A). Also called: Glaucoma, Dominant (Juvenile Onset). Identifiers: Orphanet 98977, MedGen C1842028, MONDO:0007664, OMIM 137750.
Open-angle glaucoma. Identifiers: MedGen C0017612, MONDO:0005338, HP:0012108.

Submissions (3):

ClinGen Glaucoma Variant Curation Expert Panel
Classification: Uncertain significance for Open-angle glaucoma. Last evaluated: 2025-12-03. Review status: reviewed by expert panel. Criteria: ClinGen Glaucoma ACMG Specifications V2.0.0 Approved. Collection method: curation. Allele origin: germline. Inheritance: Autosomal dominant inheritance.
Comment: The c.224A>G variant in MYOC is a missense variant predicted to cause substitution of Glutamine by Arginine at amino acid 75 (p.Gln75Arg). This variant was not found in any genetic ancestry group of gnomAD (v4.1.0), meeting the ≤ 0.0001 threshold set for PM2_Supporting in a genetic ancestry group of at least 10,000 alleles. The REVEL score = 0.11, which was within the 0.017-0.183 range for BP4_Moderate, suggesting that the variant does not impact MYOC function. There was no functional evidence predicting a damaging or benign impact of this variant on MYOC function. This variant was identified in laboratory based testing, but has not yet been found in a proband with juvenile or primary open angle glaucoma, thus PS4 did not apply. In summary, this variant met the criteria to receive a score of -1 and to be classified as a variant of uncertain significance (uncertain significance classification range -1 to 5, adapted from PMID: 32720330) for primary open angle glaucoma based on the ACMG/AMP criteria met, as specified by the ClinGen Glaucoma VCEP (v2.0.0, 5 Dec 2024): BP4_Moderate, PM2_Supporting.

Illumina Laboratory Services, Illumina
Classification: Uncertain significance for Glaucoma 1, open angle, A. Last evaluated: 2018-01-13. Review status: criteria provided, single submitter. Criteria: ICSL Variant Classification Criteria 13 December 2019. Collection method: clinical testing. Allele origin: germline. Not counted in ClinVar's aggregate classification.

Illumina Laboratory Services, Illumina
Classification: Uncertain significance for Glaucoma. Last evaluated: 2018-01-13. Review status: criteria provided, single submitter. Criteria: ICSL Variant Classification Criteria 13 December 2019. Collection method: clinical testing. Allele origin: germline. Not counted in ClinVar's aggregate classification.

NM_000261.2(MYOC):c.224A>G (p.Gln75Arg)

Gene: MYOC (myocilin; minus strand). Cytogenetic location: 1q24.3.
Variant type: single nucleotide variant.
Coding change: c.224A>G on transcript NM_000261.2 (MANE Select); coding-DNA position 224, A replaced by G.
Protein change: p.Gln75Arg; replaces glutamine 75 with arginine.
Molecular consequence: missense variant.
Genome position (GRCh38, 1-based): chr1:171,652,388, T>C on the plus strand (A>G on the coding strand, the complement: MYOC is on the minus strand). VCF-style: chr1-171652388-T-C. GRCh37 (hg19) VCF-style: chr1-171621528-T-C.
Other names: NM_000261.2(MYOC):c.224A>G; p.Gln75Arg; short protein forms Q75R.
Identifiers: ClinVar variation 293722 (VCV000293722.7), dbSNP rs886045568, ClinGen allele CA10608781.